The following is an entry in ClinVar:

NM_172362.3(KCNH1):c.2367C>T (p.Thr789=)

Gene: KCNH1 (potassium voltage-gated channel subfamily H member 1; minus strand). Cytogenetic location: 1q32.2.
Variant type: single nucleotide variant.
Coding change: c.2367C>T on transcript NM_172362.3 (MANE Select); coding-DNA position 2367, C replaced by T.
Protein change: p.Thr789=; no amino-acid change (threonine 789 retained).
Molecular consequence: synonymous variant.
Genome position (GRCh38, 1-based): chr1:210,683,884, G>A on the plus strand (C>T on the coding strand, the complement: KCNH1 is on the minus strand). VCF-style: chr1-210683884-G-A. GRCh37 (hg19) VCF-style: chr1-210857226-G-A.
Other names: c.2367C>T (NM_172362.2); c.2286C>T, p.Thr762= (NM_002238.4).
Identifiers: ClinVar variation 1598316 (VCV001598316.13), dbSNP rs111546432, ClinGen allele CA1379686.
Genomic context (GRCh38, chr1:210,683,884, plus strand): 5'-TGGCACCCCGGAGGTGGAGGCTGCCTGGAAGGATACGGGCGTGGCAGGACTCTCACGCAC[G>A]GTGACCACGCTGGCCTTCACGAGGCTGTGGTTGGCGGAGGCATGCTCTGTAAGGACATTG-3'
Protein context (NP_758872.1, residues 779-799): NHSLVKASVV[Thr789=]VRESPATPVS

ClinVar aggregate classification (germline): Likely benign. Review status: criteria provided, multiple submitters, no conflicts (2 of 4 stars). 4 submissions from 4 submitters: Likely benign (3). 1 of the submissions does not count toward it. Last evaluated 2026-04-01.

Conditions:
KCNH1-related disorder. Also called: KCNH1-related disorders; KCNH1-related condition.

Allele frequency attached by ClinVar (database versions not stated): TOPMed 0.00004; ExAC 0.00005; gnomAD exomes 0.00007 and 0.00002; ESP Exome Variant Server 0.00008; 1000 Genomes Project 30x 0.00031; gnomAD 0.00001 and 0.00003.
gnomAD v4.1: 39 of 1,614,000 alleles (0.0024%); highest among the groups gnomAD compares: Admixed American, 0.023%; no homozygotes.

Submissions (4):

CeGaT Center for Human Genetics Tuebingen
Classification: Likely benign. Last evaluated: 2026-04-01. Review status: criteria provided, single submitter. Criteria: CeGaT Center For Human Genetics Tuebingen Variant Classification Criteria Version 2. Collection method: clinical testing. Allele origin: germline. Affected: yes. Observed: 1 variant allele.
Comment: KCNH1: BP4, BP7

Labcorp Genetics (formerly Invitae), Labcorp
Classification: Likely benign. Last evaluated: 2025-09-07. Review status: criteria provided, single submitter. Criteria: Invitae Variant Classification Sherloc (09022015). Collection method: clinical testing. Allele origin: germline.

Blueprint Genetics
Classification: Likely benign. Last evaluated: 2024-10-11. Review status: criteria provided, single submitter. Criteria: ACMG Guidelines, 2015. Collection method: clinical testing. Allele origin: germline.

PreventionGenetics, part of Exact Sciences
Classification: Likely benign for KCNH1-related condition. Last evaluated: 2019-06-11. Review status: no assertion criteria provided. Collection method: clinical testing. Allele origin: germline. Not counted in ClinVar's aggregate classification.
Comment: This variant is classified as likely benign based on ACMG/AMP sequence variant interpretation guidelines (Richards et al. 2015 PMID: 25741868, with internal and published modifications).